The following is an entry in ClinVar:

ClinVar aggregate classification (germline): Uncertain significance. Review status: criteria provided, multiple submitters, no conflicts (2 of 4 stars). 3 submissions from 3 submitters: Uncertain significance (3). Last evaluated 2023-11-18.

Allele frequency attached by ClinVar (database versions not stated): gnomAD exomes 0.00001 and 0.00005; ExAC 0.00003; gnomAD 0.00007; TOPMed 0.00011; ESP Exome Variant Server 0.00015; 1000 Genomes Project 30x 0.00016; 1000 Genomes Project 0.00020.
gnomAD v4.1: 32 of 1,614,180 alleles (0.002%); highest among the groups gnomAD compares: Admixed American, 0.028%; no homozygotes.

Submissions (3):

Ambry Genetics
Classification: Uncertain significance. Last evaluated: 2023-11-18. Review status: criteria provided, single submitter. Criteria: Ambry Variant Classification Scheme 2023. Collection method: clinical testing. Allele origin: germline.

Labcorp Genetics (formerly Invitae), Labcorp
Classification: Uncertain significance. Last evaluated: 2023-08-10. Review status: criteria provided, single submitter. Criteria: Invitae Variant Classification Sherloc (09022015). Collection method: clinical testing. Allele origin: germline.
Comment: This sequence change replaces arginine, which is basic and polar, with glutamine, which is neutral and polar, at codon 59 of the DHX38 protein (p.Arg59Gln). This variant is present in population databases (rs150592983, gnomAD 0.02%). This variant has not been reported in the literature in individuals affected with DHX38-related conditions. ClinVar contains an entry for this variant (Variation ID: 858774). An algorithm developed to predict the effect of missense changes on protein structure and function (PolyPhen-2) suggests that this variant¬†is likely to be tolerated. Algorithms developed to predict the effect of sequence changes on RNA splicing suggest that this variant may create or strengthen a splice site. In summary, the available evidence is currently insufficient to determine the role of this variant in disease. Therefore, it has been classified as a Variant of Uncertain Significance.

Blueprint Genetics
Classification: Uncertain significance. Last evaluated: 2022-11-02. Review status: criteria provided, single submitter. Criteria: ACMG Guidelines, 2015. Collection method: clinical testing. Allele origin: germline.

NM_014003.4(DHX38):c.176G>A (p.Arg59Gln)

Gene: DHX38 (DEAH-box helicase 38; plus strand). Cytogenetic location: 16q22.2.
Variant type: single nucleotide variant.
Coding change: c.176G>A on transcript NM_014003.4 (MANE Select); coding-DNA position 176, G replaced by A.
Protein change: p.Arg59Gln; replaces arginine 59 with glutamine.
Molecular consequence: missense variant.
Genome position (GRCh38, 1-based): chr16:72,096,333, G>A. VCF-style: chr16-72096333-G-A. GRCh37 (hg19) VCF-style: chr16-72130232-G-A.
Other names: short protein forms R59Q.
Identifiers: ClinVar variation 858774 (VCV000858774.8), dbSNP rs150592983, ClinGen allele CA8159888.